The following is an entry in ClinVar:

NM_001042517.2(DIAPH3):c.3538G>T (p.Val1180Phe)

Gene: DIAPH3 (diaphanous related formin 3; minus strand). Cytogenetic location: 13q21.2.
Variant type: single nucleotide variant.
Coding change: c.3538G>T on transcript NM_001042517.2 (MANE Select); coding-DNA position 3538, G replaced by T.
Protein change: p.Val1180Phe; replaces valine 1180 with phenylalanine.
Molecular consequence: missense variant.
Genome position (GRCh38, 1-based): chr13:59,666,628, C>A on the plus strand (G>T on the coding strand, the complement: DIAPH3 is on the minus strand). VCF-style: chr13-59666628-C-A. GRCh37 (hg19) VCF-style: chr13-60240762-C-A.
Other names: c.3505G>T, p.Val1169Phe (NM_001258366.2); c.3400G>T, p.Val1134Phe (NM_001258367.2); c.3328G>T, p.Val1110Phe (NM_001258368.2); short protein forms V1110F, V1134F, V1169F, V1180F.
Identifiers: ClinVar variation 3344833 (VCV003344833.1).

ClinVar aggregate classification (germline): Uncertain significance (0 of 4 stars; one submission).

Conditions:
DIAPH3-related disorder. Also called: DIAPH3-related condition.

gnomAD v4.1: 1 of 1,613,986 alleles (0.000062%); highest among the groups gnomAD compares: African/African-American, 0.0013%; no homozygotes.

Submission:

PreventionGenetics, part of Exact Sciences
Classification: Uncertain significance for DIAPH3-related condition. Last evaluated: 2024-06-02. Review status: no assertion criteria provided. Collection method: clinical testing. Allele origin: germline.
Comment: The DIAPH3 c.3538G>T variant is predicted to result in the amino acid substitution p.Val1180Phe. To our knowledge, this variant has not been reported in the literature. This variant is reported in 0.0083% of alleles in individuals of African descent in gnomAD. At this time, the clinical significance of this variant is uncertain due to the absence of conclusive functional and genetic evidence.